The following is an entry in ClinVar:

NC_000016.10:g.780203G>A

Variant type: single nucleotide variant.
Genome position: GRCh38 VCF-style: chr16-780203-G-A. GRCh37 (hg19) VCF-style: chr16-830203-G-A.
Identifiers: ClinVar variation 2645857 (VCV002645857.23), dbSNP rs765707481, ClinGen allele CA7793109.

ClinVar aggregate classification (germline): Likely benign (1 of 4 stars; one submission).

Submission:

CeGaT Center for Human Genetics Tuebingen
Classification: Likely benign. Last evaluated: 2022-06-01. Review status: criteria provided, single submitter. Criteria: CeGaT Center For Human Genetics Tuebingen Variant Classification Criteria Version 2. Collection method: clinical testing. Allele origin: germline. Affected: yes. Observed: 1 variant allele.
Comment: MSLNL: BP4, BP7